The following is an entry in ClinVar:

NM_004562.3(PRKN):c.7+5G>T

Genes: PACRG (parkin coregulated; plus strand), PRKN (parkin RBR E3 ubiquitin protein ligase; minus strand). Cytogenetic location: 6q26.
Variant type: single nucleotide variant.
Coding change: c.7+5G>T on transcript NM_004562.3 (MANE Select); 5 bases into the intron after coding-DNA position 7, G replaced by T.
Molecular consequence: intron variant.
Genome position (GRCh38, 1-based): chr6:162,727,657, C>A on the plus strand (G>T on the coding strand, the complement: PRKN is on the minus strand). VCF-style: chr6-162727657-C-A. GRCh37 (hg19) VCF-style: chr6-163148689-C-A.
Other names: c.7+5G>T (NM_013988.3, NM_013987.3); c.-77+378C>A (NM_152410.3, NM_001080378.2).
Identifiers: ClinVar variation 573661 (VCV000573661.9), dbSNP rs1204087943, ClinGen allele CA571769608.

ClinVar aggregate classification (germline): Uncertain significance (1 of 4 stars; one submission).

Allele frequency attached by ClinVar (database versions not stated): gnomAD exomes 0.00001.
gnomAD v4.1: 1 of 1,584,678 alleles (0.000063%); highest among the groups gnomAD compares: Admixed American, 0.0018%; no homozygotes.

Submission:

Labcorp Genetics (formerly Invitae), Labcorp
Classification: Uncertain significance. Last evaluated: 2018-05-21. Review status: criteria provided, single submitter. Criteria: Invitae Variant Classification Sherloc (09022015). Collection method: clinical testing. Allele origin: germline.
Comment: In summary, the available evidence is currently insufficient to determine the role of this variant in disease. Therefore, it has been classified as a Variant of Uncertain Significance. Nucleotide substitutions within the consensus splice site are a relatively common cause of aberrant splicing (PMID: 17576681, 9536098). Algorithms developed to predict the effect of sequence changes on RNA splicing suggest that this variant may disrupt the consensus splice site, but this prediction has not been confirmed by published transcriptional studies. This variant has not been reported in the literature in individuals with PARK2-related disease. This variant is not present in population databases (ExAC no frequency). This sequence change falls in intron 1 of the PARK2 gene. It does not directly change the encoded amino acid sequence of the PARK2 protein, but it affects a nucleotide within the consensus splice site of the intron.

Literature cited by the submitters: PubMed 17576681; PubMed 9536098.